The following is an entry in ClinVar:

NM_000038.6(APC):c.7156A>G (p.Lys2386Glu)

Gene: APC (APC regulator of Wnt signaling pathway; plus strand). Cytogenetic location: 5q22.2.
Variant type: single nucleotide variant.
Coding change: c.7156A>G on transcript NM_000038.6 (MANE Select); coding-DNA position 7156, A replaced by G.
Protein change: p.Lys2386Glu; replaces lysine 2386 with glutamic acid.
Molecular consequence: missense variant.
Genome position (GRCh38, 1-based): chr5:112,842,750, A>G. VCF-style: chr5-112842750-A-G. GRCh37 (hg19) VCF-style: chr5-112178447-A-G.
Other names: c.7156A>G, p.Lys2386Glu (NM_001127510.3, NM_001354895.2, NM_001407450.1); c.7102A>G, p.Lys2368Glu (NM_001127511.3); c.7210A>G, p.Lys2404Glu (NM_001354896.2, NM_001407447.1, NM_001407448.1 and 1 more transcripts); c.7186A>G, p.Lys2396Glu (NM_001354897.2); c.7081A>G, p.Lys2361Glu (NM_001354898.2); c.7072A>G, p.Lys2358Glu (NM_001354899.2); c.7033A>G, p.Lys2345Glu (NM_001354900.2); c.6979A>G, p.Lys2327Glu (NM_001354901.2, NM_001407453.1); and 11 more; short protein forms K2103E, K2226E, K2295E, K2361E, K2376E, K2396E, K2303E, K2345E.
Identifiers: ClinVar variation 1757413 (VCV001757413.4), dbSNP rs2149981150, ClinGen allele CA16036913.

ClinVar aggregate classification (germline): Uncertain significance. Review status: criteria provided, multiple submitters, no conflicts (2 of 4 stars). 2 submissions from 2 submitters: Uncertain significance (2). Last evaluated 2024-05-16.

Conditions:
Hereditary cancer-predisposing syndrome. Also called: Neoplastic Syndromes, Hereditary; Tumor predisposition; Hereditary Cancer Syndrome; Hereditary neoplastic syndrome. Identifiers: Orphanet 140162, MedGen C0027672, MeSH D009386, MONDO:0015356.
Familial adenomatous polyposis 1 (FAP1). Also called: FAMILIAL ADENOMATOUS POLYPOSIS 1, ATTENUATED; POLYPOSIS, ADENOMATOUS INTESTINAL. Identifiers: MedGen C2713442, MONDO:0021056, OMIM 175100. Disease mechanism: loss of function.

Submissions (2):

Labcorp Genetics (formerly Invitae), Labcorp
Classification: Uncertain significance for Familial adenomatous polyposis 1. Last evaluated: 2024-05-16. Review status: criteria provided, single submitter. Criteria: Invitae Variant Classification Sherloc (09022015). Collection method: clinical testing. Allele origin: germline.
Comment: This sequence change replaces lysine, which is basic and polar, with glutamic acid, which is acidic and polar, at codon 2386 of the APC protein (p.Lys2386Glu). This variant is not present in population databases (gnomAD no frequency). This variant has not been reported in the literature in individuals affected with APC-related conditions. ClinVar contains an entry for this variant (Variation ID: 1757413). Advanced modeling of protein sequence and biophysical properties (such as structural, functional, and spatial information, amino acid conservation, physicochemical variation, residue mobility, and thermodynamic stability) performed at Invitae indicates that this missense variant is not expected to disrupt APC protein function with a negative predictive value of 95%. In summary, the available evidence is currently insufficient to determine the role of this variant in disease. Therefore, it has been classified as a Variant of Uncertain Significance.

Ambry Genetics
Classification: Uncertain significance for Hereditary cancer-predisposing syndrome. Last evaluated: 2022-02-15. Review status: criteria provided, single submitter. Criteria: Ambry Variant Classification Scheme 2023. Collection method: clinical testing. Allele origin: germline.
Comment: The p.K2386E variant (also known as c.7156A>G), located in coding exon 15 of the APC gene, results from an A to G substitution at nucleotide position 7156. The lysine at codon 2386 is replaced by glutamic acid, an amino acid with similar properties. This amino acid position is conserved. In addition, in silico predictors for this gene do not accurately predict pathogenicity. Since supporting evidence is limited at this time, the clinical significance of this alteration remains unclear.